The following is an entry in ClinVar:

NM_002427.4(MMP13):c.326G>T (p.Arg109Leu)

Genes: MMP13 (matrix metallopeptidase 13; minus strand), LOC126861318 (BRD4-independent group 4 enhancer GRCh37_chr11:102825894-102827093; plus strand). Cytogenetic location: 11q22.2.
Variant type: single nucleotide variant.
Coding change: c.326G>T on transcript NM_002427.4 (MANE Select); coding-DNA position 326, G replaced by T.
Protein change: p.Arg109Leu; replaces arginine 109 with leucine.
Molecular consequence: missense variant.
Genome position (GRCh38, 1-based): chr11:102,955,288, C>A on the plus strand (G>T on the coding strand, the complement: MMP13 is on the minus strand). VCF-style: chr11-102955288-C-A. GRCh37 (hg19) VCF-style: chr11-102826017-C-A.
Other names: c.326G>T (NM_002427.3); short protein forms R109L.
Identifiers: ClinVar variation 1511466 (VCV001511466.7), dbSNP rs189974040, ClinGen allele CA6252022.

ClinVar aggregate classification (germline): Uncertain significance. Review status: criteria provided, multiple submitters, no conflicts (2 of 4 stars). 2 submissions from 2 submitters: Uncertain significance (2). Last evaluated 2026-01-16.

Allele frequency attached by ClinVar (database versions not stated): ExAC 0.00003; TOPMed 0.00003; gnomAD 0.00007 and 0.00009; 1000 Genomes Project 30x 0.00078; 1000 Genomes Project 0.00080.
gnomAD v4.1: 43 of 1,613,850 alleles (0.0027%); highest among the groups gnomAD compares: Admixed American, 0.067%; no homozygotes.

Submissions (2):

Labcorp Genetics (formerly Invitae), Labcorp
Classification: Uncertain significance. Last evaluated: 2026-01-16. Review status: criteria provided, single submitter. Criteria: Invitae Variant Classification Sherloc (09022015). Collection method: clinical testing. Allele origin: germline.
Comment: This sequence change replaces arginine, which is basic and polar, with leucine, which is neutral and non-polar, at codon 109 of the MMP13 protein (p.Arg109Leu). This variant is present in population databases (rs189974040, gnomAD 0.02%). This variant has not been reported in the literature in individuals affected with MMP13-related conditions. ClinVar contains an entry for this variant (Variation ID: 1511466). Invitae Evidence Modeling of protein sequence and biophysical properties (such as structural, functional, and spatial information, amino acid conservation, physicochemical variation, residue mobility, and thermodynamic stability) indicates that this missense variant is not expected to disrupt MMP13 protein function with a negative predictive value of 80%. Algorithms developed to predict the effect of sequence changes on RNA splicing suggest that this variant may disrupt the consensus splice site. In summary, the available evidence is currently insufficient to determine the role of this variant in disease. Therefore, it has been classified as a Variant of Uncertain Significance.

Ambry Genetics
Classification: Uncertain significance. Last evaluated: 2025-08-02. Review status: criteria provided, single submitter. Criteria: Ambry Variant Classification Scheme 2023. Collection method: clinical testing. Allele origin: germline.